The following is an entry in ClinVar:

ClinVar aggregate classification (germline): Likely benign (0 of 4 stars; one submission).

Conditions:
ZMYM2-related disorder. Also called: ZMYM2-related condition.

Allele frequency attached by ClinVar (database versions not stated): gnomAD exomes below 0.00001; TOPMed below 0.00001; gnomAD 0.00001; ExAC 0.00002.
gnomAD v4.1: 3 of 1,606,732 alleles (0.00019%); highest among the groups gnomAD compares: East Asian, 0.0022%; no homozygotes.

Submission:

PreventionGenetics, part of Exact Sciences
Classification: Likely benign for ZMYM2-related condition. Last evaluated: 2019-04-15. Review status: no assertion criteria provided. Collection method: clinical testing. Allele origin: germline.
Comment: This variant is classified as likely benign based on ACMG/AMP sequence variant interpretation guidelines (Richards et al. 2015 PMID: 25741868, with internal and published modifications).

NM_197968.4(ZMYM2):c.2082A>G (p.Val694=)

Gene: ZMYM2 (zinc finger MYM-type containing 2; plus strand). Cytogenetic location: 13q12.11.
Variant type: single nucleotide variant.
Coding change: c.2082A>G on transcript NM_197968.4 (MANE Select); coding-DNA position 2082, A replaced by G.
Protein change: p.Val694=; no amino-acid change (valine 694 retained).
Molecular consequence: synonymous variant. On other transcripts: non-coding transcript variant (1).
Genome position (GRCh38, 1-based): chr13:20,034,367, A>G. VCF-style: chr13-20034367-A-G. GRCh37 (hg19) VCF-style: chr13-20608507-A-G.
Other names: c.2082A>G, p.Val694= (NM_001190964.4, NM_001190965.4, NM_001353157.2 and 5 more transcripts); c.1887A>G, p.Val629= (NM_001353161.3); c.1821A>G, p.Val607= (NM_001353163.2).
Identifiers: ClinVar variation 3058569 (VCV003058569.2), dbSNP rs767965433, ClinGen allele CA6903503.